The following is an entry in ClinVar:

ClinVar aggregate classification (germline): Likely pathogenic (1 of 4 stars; one submission).

Submission:

Quest Diagnostics Nichols Institute San Juan Capistrano
Classification: Likely pathogenic. Last evaluated: 2025-05-29. Review status: criteria provided, single submitter. Criteria: ACMG/ClinGen CNV Guidelines, 2019. Collection method: clinical testing. Allele origin: unknown.
Comment: This copy number loss of 22q11.2 extends from low copy number repeats (LCRs) B to D and has been defined as central 22q11.2 deletion syndrome (McDonald-McGinn 2024, Rehm 2015). Individuals with this central 22q11.2 deletion have variable phenotypes (Burnside 2015) even within families. Additionally, a proportion of these deletions are inherited from an unaffected parent, suggesting incomplete penetrance. CRKL has been proposed as a gene of interest for cardiac and genitourinary anomalies seen in individuals with this deletion (Breckpot 2012, Lopez-Rivera 2017, Racedo 2015). There are two similar copy number losses in the general populations of the Database of Genomic Variants (DGV). Thus, this copy number loss is best described as a susceptibility locus with variable phenotypic expressivity and incomplete penetrance and is classified as likely pathogenic. References: Breckpot et al., Am J Med Genet A. 2012 Mar;158A(3):574-80. PMID: 22318985 Burnside et al., Cytogenet Genome Res. 2015;146(2):89-99. PMID: 26278718 Lopez-Rivera et al., N Engl J Med. 2017 Feb 23;376(8):742-754. PMID: 28121514 McDonald-McGinn et al., GeneReviews [2024 May 9]. PMID: 20301696 Racedo et al., Am J Hum Genet. 2015 Feb 5;96(2):235-44. PMID: 25658046 Rehm et al., N Engl J Med. 2015 Jun 4;372(23):2235-42. PMID: 26014595

GRCh37/hg19 22q11.21(chr22:20716876-21465662)x1

Genes: AIFM3 (AIF family member 3; plus strand), CRKL (CRK like proto-oncogene, adaptor protein; plus strand), KLHL22 (kelch like family member 22; minus strand), LZTR1 (leucine zipper like post translational regulator 1; plus strand), MED15 (mediator complex subunit 15; plus strand) and 9 more. Cytogenetic location: 22q11.21.
Variant type: copy number loss.
Change: copy number 1 (one copy instead of two) of chr22:20,716,876-21,465,662 (748.8 kb, GRCh37 coordinates, 1-based), cytogenetic band 22q11.21.
Identifiers: ClinVar variation 565010 (VCV000565010.5).